The following is an entry in ClinVar:

NM_000135.4(FANCA):c.3733C>T (p.Gln1245Ter)

Gene: FANCA (FA complementation group A; minus strand). Cytogenetic location: 16q24.3.
Variant type: single nucleotide variant.
Coding change: c.3733C>T on transcript NM_000135.4 (MANE Select); coding-DNA position 3733, C replaced by T.
Protein change: p.Gln1245Ter; replaces glutamine 1245 with a stop codon.
Molecular consequence: nonsense.
Genome position (GRCh38, 1-based): chr16:89,742,832, G>A on the plus strand (C>T on the coding strand, the complement: FANCA is on the minus strand). VCF-style: chr16-89742832-G-A. GRCh37 (hg19) VCF-style: chr16-89809240-G-A.
Other names: c.3733C>T, p.Gln1245Ter (NM_001286167.3); short protein forms Q1245*.
Identifiers: ClinVar variation 2035497 (VCV002035497.4), dbSNP rs745665658, ClinGen allele CA397485338.
Genomic context (GRCh38, chr16:89,742,832, plus strand): 5'-AAATCAGTAAAAGAATTTCCTATCTTGCCTCCTCTCTCTCGCAGTCCAGCTTCTTTAGCT[G>A]CTTCCTGATGTTTTCTTCCCTGACTTGTTGAATCGCAAAGTGCAGTGCAGCAGCTGAGAG-3'

ClinVar aggregate classification (germline): Pathogenic (1 of 4 stars; one submission).

Conditions:
Fanconi anemia (FA). Also called: Fanconi's anemia. Identifiers: Orphanet 84, MedGen C0015625, MeSH D005199, MONDO:0019391.

Submission:

Labcorp Genetics (formerly Invitae), Labcorp
Classification: Pathogenic for Fanconi anemia. Last evaluated: 2023-05-18. Review status: criteria provided, single submitter. Criteria: Invitae Variant Classification Sherloc (09022015). Collection method: clinical testing. Allele origin: germline.
Comment: For these reasons, this variant has been classified as Pathogenic. Algorithms developed to predict the effect of sequence changes on RNA splicing suggest that this variant may disrupt the consensus splice site. ClinVar contains an entry for this variant (Variation ID: 2035497). This variant has not been reported in the literature in individuals affected with FANCA-related conditions. This variant is not present in population databases (gnomAD no frequency). This sequence change creates a premature translational stop signal (p.Gln1245*) in the FANCA gene. It is expected to result in an absent or disrupted protein product. Loss-of-function variants in FANCA are known to be pathogenic (PMID: 19367192).

Literature cited by the submitters: PubMed 19367192.